The following is an entry in ClinVar:

NM_006265.3(RAD21):c.252G>T (p.Lys84Asn)

Gene: RAD21 (RAD21 cohesin complex component; minus strand). Cytogenetic location: 8q24.11.
Variant type: single nucleotide variant.
Coding change: c.252G>T on transcript NM_006265.3 (MANE Select); coding-DNA position 252, G replaced by T.
Protein change: p.Lys84Asn; replaces lysine 84 with asparagine.
Molecular consequence: missense variant.
Genome position (GRCh38, 1-based): chr8:116,863,152, C>A on the plus strand (G>T on the coding strand, the complement: RAD21 is on the minus strand). VCF-style: chr8-116863152-C-A. GRCh37 (hg19) VCF-style: chr8-117875391-C-A.
Other names: short protein forms K84N.
Identifiers: ClinVar variation 1316027 (VCV001316027.2), dbSNP rs2130479393, ClinGen allele CA372010481.

ClinVar aggregate classification (germline): Uncertain significance (1 of 4 stars; one submission).

Submission:

GeneDx
Classification: Uncertain significance. Last evaluated: 2019-12-09. Review status: criteria provided, single submitter. Criteria: GeneDx Variant Classification Process June 2021. Collection method: clinical testing. Allele origin: germline. Affected: yes.
Comment: Not observed in large population cohorts (Lek et al., 2016); In silico analysis, which includes protein predictors and evolutionary conservation, supports a deleterious effect; Has not been previously published as pathogenic or benign to our knowledge